The following is an entry in ClinVar:

NM_001375567.1(FOCAD):c.4505G>A (p.Ser1502Asn)

Gene: FOCAD (focadhesin; plus strand). Cytogenetic location: 9p21.3.
Variant type: single nucleotide variant.
Coding change: c.4505G>A on transcript NM_001375567.1 (MANE Select); coding-DNA position 4505, G replaced by A.
Protein change: p.Ser1502Asn; replaces serine 1502 with asparagine.
Molecular consequence: missense variant.
Genome position (GRCh38, 1-based): chr9:20,981,553, G>A. VCF-style: chr9-20981553-G-A. GRCh37 (hg19) VCF-style: chr9-20981552-G-A.
Other names: c.4400G>A, p.Ser1467Asn (NM_001375568.1, NM_001375570.1); c.4505G>A, p.Ser1502Asn (NM_017794.5); short protein forms S1467N, S1502N.
Identifiers: ClinVar variation 3632329 (VCV003632329.2).
Genomic context (GRCh38, chr9:20,981,553, plus strand): 5'-TCCTGGGTTTTGTTGAAAATTTAATGGTGGCAGTTTTTAAAGCAGCTTCCCCACTTGGAA[G>A]TCCTGAGCTATGCCCAAGTGCTTTACACGGTCTGAGCCAGGCCATGAAACTGCCCAGCCC-3'
Protein context (NP_001362496.1, residues 1492-1512): AVFKAASPLG[Ser1502Asn]PELCPSALHG

ClinVar aggregate classification (germline): Uncertain significance (1 of 4 stars; one submission).

Submission:

Labcorp Genetics (formerly Invitae), Labcorp
Classification: Uncertain significance. Last evaluated: 2024-03-30. Review status: criteria provided, single submitter. Criteria: Invitae Variant Classification Sherloc (09022015). Collection method: clinical testing. Allele origin: germline.
Comment: This sequence change replaces serine, which is neutral and polar, with asparagine, which is neutral and polar, at codon 1502 of the FOCAD protein (p.Ser1502Asn). This variant is not present in population databases (gnomAD no frequency). This variant has not been reported in the literature in individuals affected with FOCAD-related conditions. Algorithms developed to predict the effect of missense changes on protein structure and function output the following: SIFT: "Not Available"; PolyPhen-2: "Not Available"; Align-GVGD: "Not Available". The asparagine amino acid residue is found in multiple mammalian species, which suggests that this missense change does not adversely affect protein function. In summary, the available evidence is currently insufficient to determine the role of this variant in disease. Therefore, it has been classified as a Variant of Uncertain Significance.